The following is an entry in ClinVar:

NM_001168221.2(CATSPERT):c.1366G>T (p.Ala456Ser)

Gene: CATSPERT (catsper channel auxiliary subunit tau; minus strand). Cytogenetic location: 2q33.1.
Variant type: single nucleotide variant.
Coding change: c.1366G>T on transcript NM_001168221.2 (MANE Select); coding-DNA position 1366, G replaced by T.
Protein change: p.Ala456Ser; replaces alanine 456 with serine.
Molecular consequence: missense variant. On other transcripts: intron variant (1).
Genome position (GRCh38, 1-based): chr2:201,536,161, C>A on the plus strand (G>T on the coding strand, the complement: CATSPERT is on the minus strand). VCF-style: chr2-201536161-C-A. GRCh37 (hg19) VCF-style: chr2-202400884-C-A.
Other names: c.1366G>T, p.Ala456Ser (NM_001168217.2, NM_152525.6); c.1162+9382G>T (NM_001168216.2); short protein forms A456S.
Identifiers: ClinVar variation 2651821 (VCV002651821.24), dbSNP rs148571033, ClinGen allele CA2055721.

ClinVar aggregate classification (germline): Likely benign (1 of 4 stars; one submission).

Allele frequency attached by ClinVar (database versions not stated): 1000 Genomes Project 0.00080; 1000 Genomes Project 30x 0.00094; ExAC 0.00187; TOPMed 0.00253; ESP Exome Variant Server 0.00269.
gnomAD v4.1: 4,591 of 1,613,494 alleles (0.28%); highest among the groups gnomAD compares: Middle Eastern, 0.41%; 12 homozygotes.

Submission:

CeGaT Center for Human Genetics Tuebingen
Classification: Likely benign. Last evaluated: 2023-02-01. Review status: criteria provided, single submitter. Criteria: CeGaT Center For Human Genetics Tuebingen Variant Classification Criteria Version 2. Collection method: clinical testing. Allele origin: germline. Affected: yes. Observed: 2 variant alleles.
Comment: CATSPERT: BP4, BS2